The following is an entry in ClinVar:

NM_001135254.2(PAX7):c.1402+23G>A

Gene: PAX7 (paired box 7; plus strand). Cytogenetic location: 1p36.13.
Variant type: single nucleotide variant.
Coding change: c.1402+23G>A on transcript NM_001135254.2 (MANE Select); 23 bases into the intron after coding-DNA position 1402, G replaced by A.
Molecular consequence: intron variant. On other transcripts: synonymous variant (2).
Genome position (GRCh38, 1-based): chr1:18,735,901, G>A. VCF-style: chr1-18735901-G-A. GRCh37 (hg19) VCF-style: chr1-19062395-G-A.
Other names: c.1425G>A, p.Ala475= (NM_002584.3); c.1419G>A, p.Ala473= (NM_013945.3).
Identifiers: ClinVar variation 2638406 (VCV002638406.24), dbSNP rs777062997, ClinGen allele CA645962.
Genomic context (GRCh38, chr1:18,735,901, plus strand): 5'-CCCCGTGGCCGGCTATCAGTACGGCCAGTACGGCCAGAGTGAGTGCCTGGTGCCCTGGGC[G>A]TCCCCCGTCCCCATTCCTTCTCCCACCCCCAGGGCCTCCTGCTTGTTTATGGAGAGCTAC-3'

ClinVar aggregate classification (germline): Likely benign (1 of 4 stars; one submission).

Allele frequency attached by ClinVar (database versions not stated): ExAC 0.00001.
gnomAD v4.1: 9 of 1,614,014 alleles (0.00056%); highest among the groups gnomAD compares: South Asian, 0.0033%; no homozygotes.

Submission:

CeGaT Center for Human Genetics Tuebingen
Classification: Likely benign. Last evaluated: 2023-03-01. Review status: criteria provided, single submitter. Criteria: CeGaT Center For Human Genetics Tuebingen Variant Classification Criteria Version 2. Collection method: clinical testing. Allele origin: germline. Affected: yes. Observed: 1 variant allele.
Comment: PAX7: BP4, BP7